The following is an entry in ClinVar:

ClinVar aggregate classification (germline): Uncertain significance. Review status: criteria provided, multiple submitters, no conflicts (2 of 4 stars). 2 submissions from 2 submitters: Uncertain significance (2). Last evaluated 2025-09-11.

Conditions:
Inborn genetic diseases. Identifiers: MedGen C0950123, MeSH D030342.

Allele frequency attached by ClinVar (database versions not stated): gnomAD exomes below 0.00001; TOPMed below 0.00001; gnomAD 0.00001.
gnomAD v4.1: 7 of 1,614,090 alleles (0.00043%); highest among the groups gnomAD compares: East Asian, 0.0022%; no homozygotes.

Submissions (2):

Ambry Genetics
Classification: Uncertain significance for Inborn genetic diseases. Last evaluated: 2025-09-11. Review status: criteria provided, single submitter. Criteria: Ambry Variant Classification Scheme 2023. Collection method: clinical testing. Allele origin: germline.

Labcorp Genetics (formerly Invitae), Labcorp
Classification: Uncertain significance. Last evaluated: 2025-01-20. Review status: criteria provided, single submitter. Criteria: Invitae Variant Classification Sherloc (09022015). Collection method: clinical testing. Allele origin: germline.
Comment: This sequence change replaces glutamic acid, which is acidic and polar, with lysine, which is basic and polar, at codon 131 of the APTX protein (p.Glu131Lys). This variant is present in population databases (no rsID available, gnomAD 0.006%). This variant has not been reported in the literature in individuals affected with APTX-related conditions. ClinVar contains an entry for this variant (Variation ID: 1347062). Invitae Evidence Modeling of protein sequence and biophysical properties (such as structural, functional, and spatial information, amino acid conservation, physicochemical variation, residue mobility, and thermodynamic stability) indicates that this missense variant is not expected to disrupt APTX protein function with a negative predictive value of 80%. In summary, the available evidence is currently insufficient to determine the role of this variant in disease. Therefore, it has been classified as a Variant of Uncertain Significance.

NM_001195248.2(APTX):c.391G>A (p.Glu131Lys)

Gene: APTX (aprataxin; minus strand). Cytogenetic location: 9p21.1.
Variant type: single nucleotide variant.
Coding change: c.391G>A on transcript NM_001195248.2 (MANE Select); coding-DNA position 391, G replaced by A.
Protein change: p.Glu131Lys; replaces glutamic acid 131 with lysine.
Molecular consequence: missense variant. On other transcripts: non-coding transcript variant (13), intron variant (1).
Genome position (GRCh38, 1-based): chr9:32,987,636, C>T on the plus strand (G>A on the coding strand, the complement: APTX is on the minus strand). VCF-style: chr9-32987636-C-T. GRCh37 (hg19) VCF-style: chr9-32987634-C-T.
Other names: c.391G>A (NM_175073.2); c.391G>A, p.Glu131Lys (NM_001195249.2, NM_001195251.2, NM_001368995.1 and 6 more transcripts); c.229G>A, p.Glu77Lys (NM_001195250.2, NM_001195254.2, NM_001369000.1 and 1 more transcripts); c.127G>A, p.Glu43Lys (NM_001369002.1, NM_001369003.1, NM_001369004.1 and 5 more transcripts); c.267+124G>A (NM_001195252.2); short protein forms E43K, E131K, E77K.
Identifiers: ClinVar variation 1347062 (VCV001347062.9), dbSNP rs1346663987, ClinGen allele CA373179753.